The following is an entry in ClinVar:

ClinVar aggregate classification (germline): Benign. Review status: criteria provided, multiple submitters, no conflicts (2 of 4 stars). 8 submissions from 8 submitters: Benign (8). Last evaluated 2026-02-03.

Conditions:
Hereditary spastic paraplegia 10 (SPG10). Also called: SPASTIC PARAPLEGIA 10, AUTOSOMAL DOMINANT; SPASTIC PARAPLEGIA 10 WITH OR WITHOUT PERIPHERAL NEUROPATHY; SPASTIC PARAPLEGIA 10 WITH PERIPHERAL NEUROPATHY. Identifiers: Orphanet 100991, MedGen C1858712, MONDO:0011408, OMIM 604187.
Hereditary spastic paraplegia. Also called: Familial spastic paraparesis. Identifiers: Orphanet 685, MedGen C0037773, MONDO:0019064. Disease mechanism: loss of function.
Spastic paraplegia. Identifiers: MedGen C0037772, HP:0001258.

Allele frequency attached by ClinVar (database versions not stated): ESP Exome Variant Server 0.00015; TOPMed 0.00459; 1000 Genomes Project 30x 0.02030; 1000 Genomes Project 0.02216.
gnomAD v4.1: 3,405 of 1,614,006 alleles (0.21%); highest among the groups gnomAD compares: East Asian, 5.9%; 128 homozygotes.

Submissions (8):

Labcorp Genetics (formerly Invitae), Labcorp
Classification: Benign for Spastic paraplegia. Last evaluated: 2026-02-03. Review status: criteria provided, single submitter. Criteria: Invitae Variant Classification Sherloc (09022015). Collection method: clinical testing. Allele origin: germline.

ARUP Laboratories, Molecular Genetics and Genomics, ARUP Laboratories
Classification: Benign. Last evaluated: 2025-04-01. Review status: criteria provided, single submitter. Criteria: ARUP Molecular Germline Variant Investigation Process 2024. Collection method: clinical testing. Allele origin: germline.

Athena Diagnostics
Classification: Benign. Last evaluated: 2024-07-30. Review status: criteria provided, single submitter. Criteria: Athena Diagnostics Criteria. Collection method: clinical testing. Allele origin: unknown.

Genome Diagnostics Laboratory, The Hospital for Sick Children
Classification: Benign for Hereditary spastic paraplegia. Last evaluated: 2021-04-09. Review status: criteria provided, single submitter. Criteria: ACMG Guidelines, 2015. Collection method: clinical testing. Allele origin: germline. Affected: yes.

Illumina Laboratory Services, Illumina
Classification: Benign for Hereditary spastic paraplegia 10. Last evaluated: 2018-01-13. Review status: criteria provided, single submitter. Criteria: ICSL Variant Classification Criteria 13 December 2019. Collection method: clinical testing. Allele origin: germline.
Comment: This variant was observed in the ICSL laboratory as part of a predisposition screen in an ostensibly healthy population. It had not been previously curated by ICSL or reported in the Human Gene Mutation Database (HGMD: prior to June 1st, 2018), and was therefore a candidate for classification through an automated scoring system. Utilizing variant allele frequency, disease prevalence and penetrance estimates, and inheritance mode, an automated score was calculated to assess if this variant is too frequent to cause the disease. Based on the score and internal cut-off values, a variant classified as benign is not then subjected to further curation. The score for this variant resulted in a classification of benign for this disease.

Mayo Clinic Laboratories, Mayo Clinic
Classification: Benign. Last evaluated: 2017-12-22. Review status: criteria provided, single submitter. Criteria: ACMG Guidelines, 2015. Collection method: clinical testing. Allele origin: germline. Observed: 13 variant alleles.

GeneDx
Classification: Benign. Last evaluated: 2016-12-20. Review status: criteria provided, single submitter. Criteria: GeneDx Variant Classification (06012015). Collection method: clinical testing. Allele origin: germline. Affected: yes.
Comment: This variant is considered likely benign or benign based on one or more of the following criteria: it is a conservative change, it occurs at a poorly conserved position in the protein, it is predicted to be benign by multiple in silico algorithms, and/or has population frequency not consistent with disease.

Breakthrough Genomics
Classification: Benign. Review status: criteria provided, single submitter. Criteria: ACMG Guidelines, 2015. Collection method: not provided. Allele origin: germline. Inheritance: Autosomal dominant inheritance. Affected: yes.

NM_004984.4(KIF5A):c.1176G>A (p.Glu392=)

Gene: KIF5A (kinesin family member 5A; plus strand). Cytogenetic location: 12q13.3.
Variant type: single nucleotide variant.
Coding change: c.1176G>A on transcript NM_004984.4 (MANE Select); coding-DNA position 1176, G replaced by A.
Protein change: p.Glu392=; no amino-acid change (glutamic acid 392 retained).
Molecular consequence: synonymous variant.
Genome position (GRCh38, 1-based): chr12:57,570,045, G>A. VCF-style: chr12-57570045-G-A. GRCh37 (hg19) VCF-style: chr12-57963828-G-A.
Other names: p.Glu392=; c.909G>A, p.Glu303= (NM_001354705.2).
Identifiers: ClinVar variation 309938 (VCV000309938.33), dbSNP rs75907338, ClinGen allele CA6652782.